The following is an entry in ClinVar:

NM_003560.4(PLA2G6):c.1772G>A (p.Arg591Gln)

Gene: PLA2G6 (phospholipase A2 group VI; minus strand). Cytogenetic location: 22q13.1.
Variant type: single nucleotide variant.
Coding change: c.1772G>A on transcript NM_003560.4 (MANE Select); coding-DNA position 1772, G replaced by A.
Protein change: p.Arg591Gln; replaces arginine 591 with glutamine.
Molecular consequence: missense variant.
Genome position (GRCh38, 1-based): chr22:38,116,182, C>T on the plus strand (G>A on the coding strand, the complement: PLA2G6 is on the minus strand). VCF-style: chr22-38116182-C-T. GRCh37 (hg19) VCF-style: chr22-38512189-C-T.
Other names: c.1610G>A (NM_001004426.2); c.1610G>A, p.Arg537Gln (NM_001004426.3, NM_001199562.3, NM_001349865.2 and 1 more transcripts); c.1772G>A, p.Arg591Gln (NM_001349864.2); c.1238G>A, p.Arg413Gln (NM_001349867.2); c.1094G>A, p.Arg365Gln (NM_001349868.2); c.1076G>A, p.Arg359Gln (NM_001349869.2); c.1772G>A (NM_003560.2); short protein forms R365Q, R413Q, R591Q, R359Q, R537Q.
Identifiers: ClinVar variation 803691 (VCV000803691.51), dbSNP rs776713955, ClinGen allele CA10230719.
Genomic context (GRCh38, chr22:38,116,182, plus strand): 5'-GGCTCCCGGACAGTTTCTGGAGCATCGTAGTTCCGGAAGAGGTGGAGTTCAGCCGGCTGC[C>T]GGTCAGACAGTGTCCCTGTCAGCATCACCCTGGAGAGAAATGAGGCAGGAGGACGGCTGA-3'
Protein context (NP_003551.2, residues 581-601): KVMLTGTLSD[Arg591Gln]QPAELHLFRN

ClinVar aggregate classification (germline): Pathogenic/Likely pathogenic. Review status: criteria provided, multiple submitters, no conflicts (2 of 4 stars). 7 submissions from 7 submitters: Pathogenic (6); Likely pathogenic (1). Last evaluated 2025-09-04.

Conditions:
Autosomal recessive Parkinson disease 14. Also called: DYSTONIA-PARKINSONISM, ADULT-ONSET; PARKINSON DISEASE 14. Identifiers: Orphanet 199351, MedGen C2751842, MONDO:0013060, OMIM 612953.
Infantile neuroaxonal dystrophy (NBIA2A). Also called: SEITELBERGER DISEASE; Infantile neuroaxonal dystrophy 1; NEURODEGENERATION WITH BRAIN IRON ACCUMULATION 2A. Identifiers: Orphanet 35069, MedGen C0270724, MONDO:0024457, OMIM 256600.
Neurodegeneration with brain iron accumulation 2B. Also called: NEUROAXONAL DYSTROPHY, ATYPICAL; NEURODEGENERATION WITH BRAIN IRON ACCUMULATION, PLA2G6-RELATED; aNAD; atypical Neuroaxonal Dystrophy (aNAD). Identifiers: Orphanet 35069, MedGen C1857747, MONDO:0012444, OMIM 610217.
Neurodegeneration with brain iron accumulation (NBIA). Identifiers: Orphanet 385, MedGen C2931845, MONDO:0018307.

Allele frequency attached by ClinVar (database versions not stated): gnomAD exomes below 0.00001; TOPMed below 0.00001; ExAC 0.00001.
gnomAD v4.1: 14 of 1,613,994 alleles (0.00087%); highest among the groups gnomAD compares: East Asian, 0.0022%; no homozygotes.

Submissions (7):

GeneDx
Classification: Pathogenic. Last evaluated: 2025-09-04. Review status: criteria provided, single submitter. Criteria: GeneDx Variant Classification Process June 2021. Collection method: clinical testing. Allele origin: germline. Affected: yes.
Comment: Not observed at significant frequency in large population cohorts (gnomAD); In silico analysis supports that this missense variant has a deleterious effect on protein structure/function; This variant is associated with the following publications: (PMID: 31506141, 16783378, 18799783, 24130795, 24522175, 40754933, 36790232, 36964972, 33101984, 27882168, 30868093, 19138334)

Genomic Medicine Center of Excellence, King Faisal Specialist Hospital and Research Centre
Classification: Pathogenic for Infantile neuroaxonal dystrophy. Last evaluated: 2024-10-07. Review status: criteria provided, single submitter. Criteria: ACMG Guidelines, 2015. Collection method: clinical testing. Allele origin: germline.

Fulgent Genetics
Classification: Likely pathogenic for Infantile neuroaxonal dystrophy; Neurodegeneration with brain iron accumulation 2B; Autosomal recessive Parkinson disease 14. Last evaluated: 2024-05-15. Review status: criteria provided, single submitter. Criteria: ACMG Guidelines, 2015. Collection method: clinical testing. Allele origin: germline.

Women's Health and Genetics/Laboratory Corporation of America, LabCorp
Classification: Pathogenic for Neurodegeneration with brain iron accumulation. Last evaluated: 2024-05-15. Review status: criteria provided, single submitter. Criteria: LabCorp Variant Classification Summary - May 2015. Collection method: clinical testing. Allele origin: germline.
Comment: Variant summary: PLA2G6 c.1772G>A (p.Arg591Gln) results in a conservative amino acid change located in the Patatin-like phospholipase domain (IPR002641) of the encoded protein sequence. Four of five in-silico tools predict a damaging effect of the variant on protein function. The variant allele was found at a frequency of 4e-06 in 251176 control chromosomes. c.1772G>A has been reported in the literature in multiple individuals affected with Neurodegeneration With Brain Iron Accumulation or Infantile Neuroaxonal Dystrophy in the homozygous or compound heterozygous state (e.g. Lu_2019, Morgan_2006, Salih_2013). These data indicate that the variant is very likely to be associated with disease. To our knowledge, no experimental evidence demonstrating an impact on protein function has been reported. The following publications have been ascertained in the context of this evaluation (PMID: 31506141, 16783378, 24130795). ClinVar contains an entry for this variant (Variation ID: 803691). Based on the evidence outlined above, the variant was classified as pathogenic.

Labcorp Genetics (formerly Invitae), Labcorp
Classification: Pathogenic for Infantile neuroaxonal dystrophy. Last evaluated: 2024-04-12. Review status: criteria provided, single submitter. Criteria: Invitae Variant Classification Sherloc (09022015). Collection method: clinical testing. Allele origin: germline.
Comment: This sequence change replaces arginine, which is basic and polar, with glutamine, which is neutral and polar, at codon 591 of the PLA2G6 protein (p.Arg591Gln). This variant is present in population databases (rs776713955, gnomAD 0.003%). This missense change has been observed in individuals with PLA2G6-related conditions (PMID: 16783378, 24130795, 31506141). ClinVar contains an entry for this variant (Variation ID: 803691). Advanced modeling of protein sequence and biophysical properties (such as structural, functional, and spatial information, amino acid conservation, physicochemical variation, residue mobility, and thermodynamic stability) performed at Invitae indicates that this missense variant is not expected to disrupt PLA2G6 protein function with a negative predictive value of 80%. This variant disrupts the p.Arg591 amino acid residue in PLA2G6. Other variant(s) that disrupt this residue have been determined to be pathogenic (PMID: 19138334, 27882168). This suggests that this residue is clinically significant, and that variants that disrupt this residue are likely to be disease-causing. For these reasons, this variant has been classified as Pathogenic.

Mendelics
Classification: Pathogenic for Infantile neuroaxonal dystrophy. Last evaluated: 2019-05-28. Review status: criteria provided, single submitter. Criteria: Mendelics Assertion Criteria 2017. Collection method: clinical testing. Allele origin: unknown.

CeGaT Center for Human Genetics Tuebingen
Classification: Pathogenic. Last evaluated: 2019-05-01. Review status: criteria provided, single submitter. Criteria: CeGaT Center For Human Genetics Tuebingen Variant Classification Criteria Version 2. Collection method: clinical testing. Allele origin: germline. Affected: yes. Observed: 1 variant allele.

Literature cited by the submitters: PubMed 16783378 (cited by Women's Health and Genetics/Laboratory Corporation of America, LabCorp and Labcorp Genetics (formerly Invitae), Labcorp); PubMed 31506141 (cited by Women's Health and Genetics/Laboratory Corporation of America, LabCorp and Labcorp Genetics (formerly Invitae), Labcorp); PubMed 24130795 (cited by Women's Health and Genetics/Laboratory Corporation of America, LabCorp and Labcorp Genetics (formerly Invitae), Labcorp); PubMed 19138334 (cited by Labcorp Genetics (formerly Invitae), Labcorp); PubMed 27882168 (cited by Labcorp Genetics (formerly Invitae), Labcorp).